The following is an entry in ClinVar:

ClinVar aggregate classification (germline): Uncertain significance (1 of 4 stars; one submission).

Allele frequency attached by ClinVar (database versions not stated): gnomAD exomes below 0.00001; gnomAD 0.00001; TOPMed 0.00001; ExAC 0.00001.
gnomAD v4.1: 4 of 1,614,046 alleles (0.00025%); highest among the groups gnomAD compares: African/African-American, 0.0013%; no homozygotes.

Submission:

Labcorp Genetics (formerly Invitae), Labcorp
Classification: Uncertain significance. Last evaluated: 2025-09-12. Review status: criteria provided, single submitter. Criteria: Invitae Variant Classification Sherloc (09022015). Collection method: clinical testing. Allele origin: germline.
Comment: This sequence change replaces alanine, which is neutral and non-polar, with threonine, which is neutral and polar, at codon 630 of the MYH3 protein (p.Ala630Thr). This variant also falls at the last nucleotide of exon 16, which is part of the consensus splice site for this exon. This variant is present in population databases (rs775242658, gnomAD 0.0009%). This variant has not been reported in the literature in individuals affected with MYH3-related conditions. ClinVar contains an entry for this variant (Variation ID: 2733642). An algorithm developed to predict the effect of missense changes on protein structure and function outputs the following: PolyPhen-2: "Benign". The threonine amino acid residue is found in multiple mammalian species, which suggests that this missense change does not adversely affect protein function. Variants that disrupt the consensus splice site are a relatively common cause of aberrant splicing (PMID: 17576681, 9536098). Algorithms developed to predict the effect of sequence changes on RNA splicing suggest that this variant may disrupt the consensus splice site. In summary, the available evidence is currently insufficient to determine the role of this variant in disease. Therefore, it has been classified as a Variant of Uncertain Significance.

Literature cited by the submitters: PubMed 17576681; PubMed 9536098.

NM_002470.4(MYH3):c.1888G>A (p.Ala630Thr)

Gene: MYH3 (myosin heavy chain 3; minus strand). Cytogenetic location: 17p13.1.
Variant type: single nucleotide variant.
Coding change: c.1888G>A on transcript NM_002470.4 (MANE Select); coding-DNA position 1888, G replaced by A.
Protein change: p.Ala630Thr; replaces alanine 630 with threonine.
Molecular consequence: missense variant.
Genome position (GRCh38, 1-based): chr17:10,642,417, C>T on the plus strand (G>A on the coding strand, the complement: MYH3 is on the minus strand). VCF-style: chr17-10642417-C-T. GRCh37 (hg19) VCF-style: chr17-10545734-C-T.
Other names: short protein forms A630T.
Identifiers: ClinVar variation 2733642 (VCV002733642.3), dbSNP rs775242658, ClinGen allele CA8392921.
Genomic context (GRCh38, chr17:10,642,417, plus strand): 5'-TTTTTTGTTACTGTGGAACAAATGGAGGGAAATCACATGGACACAAAGCACTCCTCTTAC[C>T]ATCCGCCGTGGCAAACGTGGCATAGAGGTGTGCCAGGAGCCTGTTGGAAGACTTCTGGTA-3'
Protein context (NP_002461.2, residues 620-640): HLYATFATAD[Ala630Thr]DSGKKKVAKK